The following is an entry in ClinVar:

NM_021620.4(PRDM13):c.1325G>T (p.Gly442Val)

Gene: PRDM13 (PR/SET domain 13; plus strand). Cytogenetic location: 6q16.2.
Variant type: single nucleotide variant.
Coding change: c.1325G>T on transcript NM_021620.4 (MANE Select); coding-DNA position 1325, G replaced by T.
Protein change: p.Gly442Val; replaces glycine 442 with valine.
Molecular consequence: missense variant.
Genome position (GRCh38, 1-based): chr6:99,613,960, G>T. VCF-style: chr6-99613960-G-T. GRCh37 (hg19) VCF-style: chr6-100061836-G-T.
Other names: short protein forms G442V.
Identifiers: ClinVar variation 1522202 (VCV001522202.8), dbSNP rs771559054, ClinGen allele CA143975733.

ClinVar aggregate classification (germline): Uncertain significance (1 of 4 stars; one submission).

Allele frequency attached by ClinVar (database versions not stated): gnomAD 0.00001; TOPMed 0.00001.

Submission:

Labcorp Genetics (formerly Invitae), Labcorp
Classification: Uncertain significance. Last evaluated: 2022-10-23. Review status: criteria provided, single submitter. Criteria: Invitae Variant Classification Sherloc (09022015). Collection method: clinical testing. Allele origin: germline.
Comment: ClinVar contains an entry for this variant (Variation ID: 1522202). This variant has not been reported in the literature in individuals affected with PRDM13-related conditions. This variant is present in population databases (no rsID available, gnomAD 0.007%). This sequence change replaces glycine, which is neutral and non-polar, with valine, which is neutral and non-polar, at codon 442 of the PRDM13 protein (p.Gly442Val). Algorithms developed to predict the effect of missense changes on protein structure and function are either unavailable or do not agree on the potential impact of this missense change (SIFT: "Deleterious"; PolyPhen-2: "Possibly Damaging"; Align-GVGD: "Class C15"). In summary, the available evidence is currently insufficient to determine the role of this variant in disease. Therefore, it has been classified as a Variant of Uncertain Significance.